The following is an entry in ClinVar:

ClinVar aggregate classification (germline): Likely benign (1 of 4 stars; one submission).

gnomAD v4.1: 3,084 of 1,613,996 alleles (0.19%); highest among the groups gnomAD compares: Non-Finnish European, 0.17%; 9 homozygotes.

Submission:

CeGaT Center for Human Genetics Tuebingen
Classification: Likely benign. Last evaluated: 2026-07-01. Review status: criteria provided, single submitter. Criteria: CeGaT Center For Human Genetics Tuebingen Variant Classification Criteria Version 2. Collection method: clinical testing. Allele origin: germline. Affected: yes. Observed: 3 variant alleles.
Comment: CAMK4: BP4, BS1

NM_001744.6(CAMK4):c.1238C>T (p.Ala413Val)

Gene: CAMK4 (calcium/calmodulin dependent protein kinase IV; plus strand). Cytogenetic location: 5q22.1.
Variant type: single nucleotide variant.
Coding change: c.1238C>T on transcript NM_001744.6 (MANE Select); coding-DNA position 1238, C replaced by T.
Protein change: p.Ala413Val; replaces alanine 413 with valine.
Molecular consequence: missense variant.
Genome position (GRCh38, 1-based): chr5:111,484,282, C>T. VCF-style: chr5-111484282-C-T. GRCh37 (hg19) VCF-style: chr5-110819980-C-T.
Other names: c.1238C>T, p.Ala413Val (NM_001323374.2, NM_001323375.2); c.647C>T, p.Ala216Val (NM_001323376.2, NM_001323377.2); short protein forms A216V, A413V.
Identifiers: ClinVar variation 4820789 (VCV004820789.4).
Genomic context (GRCh38, chr5:111,484,282, plus strand): 5'-AGCTGATGAAGGTGCAAGCCTTAGAGAAAGTTAAAGGTGCAGATATAAATGCTGAAGAGG[C>T]CCCCAAAATGGTGCCCAAGGCAGTGGAGGATGGGATAAAGGTGGCTGACCTGGAACTAGA-3'
Protein context (NP_001735.1, residues 403-423): VKGADINAEE[Ala413Val]PKMVPKAVED